The following is an entry in ClinVar:

ClinVar aggregate classification (germline): Uncertain significance. Review status: criteria provided, multiple submitters, no conflicts (2 of 4 stars). 2 submissions from 2 submitters: Uncertain significance (2). Last evaluated 2024-06-06.

Conditions:
Cardiovascular phenotype. Identifiers: MedGen CN230736.

Allele frequency attached by ClinVar (database versions not stated): gnomAD 0.00001; TOPMed 0.00001; ESP Exome Variant Server 0.00008.

Submissions (2):

Labcorp Genetics (formerly Invitae), Labcorp
Classification: Uncertain significance. Last evaluated: 2024-06-06. Review status: criteria provided, single submitter. Criteria: Invitae Variant Classification Sherloc (09022015). Collection method: clinical testing. Allele origin: germline.
Comment: This sequence change replaces aspartic acid, which is acidic and polar, with glutamic acid, which is acidic and polar, at codon 113 of the APOA1 protein (p.Asp113Glu). This variant is present in population databases (rs150243849, gnomAD 0.003%). This variant has not been reported in the literature in individuals affected with APOA1-related conditions. ClinVar contains an entry for this variant (Variation ID: 1731004). Advanced modeling of protein sequence and biophysical properties (such as structural, functional, and spatial information, amino acid conservation, physicochemical variation, residue mobility, and thermodynamic stability) performed at Invitae indicates that this missense variant is not expected to disrupt APOA1 protein function with a negative predictive value of 80%. In summary, the available evidence is currently insufficient to determine the role of this variant in disease. Therefore, it has been classified as a Variant of Uncertain Significance.

Ambry Genetics
Classification: Uncertain significance for Cardiovascular phenotype. Last evaluated: 2024-03-24. Review status: criteria provided, single submitter. Criteria: Ambry Variant Classification Scheme 2023. Collection method: clinical testing. Allele origin: germline.
Comment: The p.D113E variant (also known as c.339T>G), located in coding exon 3 of the APOA1 gene, results from a T to G substitution at nucleotide position 339. The aspartic acid at codon 113 is replaced by glutamic acid, an amino acid with highly similar properties. This amino acid position is well conserved in available vertebrate species; however, glutamic acid is the reference amino acid in other vertebrate species. In addition, this alteration is predicted to be tolerated by in silico analysis. Since supporting evidence is limited at this time, the clinical significance of this alteration remains unclear.

NM_000039.3(APOA1):c.339T>G (p.Asp113Glu)

Genes: APOA1 (apolipoprotein A1; minus strand), APOA1-AS (APOA1 antisense RNA; plus strand). Cytogenetic location: 11q23.3.
Variant type: single nucleotide variant.
Coding change: c.339T>G on transcript NM_000039.3 (MANE Select); coding-DNA position 339, T replaced by G.
Protein change: p.Asp113Glu; replaces aspartic acid 113 with glutamic acid.
Molecular consequence: missense variant.
Genome position (GRCh38, 1-based): chr11:116,836,273, A>C on the plus strand (T>G on the coding strand, the complement: APOA1 is on the minus strand). VCF-style: chr11-116836273-A-C. GRCh37 (hg19) VCF-style: chr11-116706989-A-C.
Other names: c.339T>G, p.Asp113Glu (NM_001318017.2, NM_001318018.2); c.12T>G, p.Asp4Glu (NM_001318021.2); short protein forms D4E, D113E.
Identifiers: ClinVar variation 1731004 (VCV001731004.5), dbSNP rs150243849, ClinGen allele CA6289822.
Genomic context (GRCh38, chr11:116,836,273, plus strand): 5'-CTGCCACTTCTTCTGGAAGTCGTCCAGGTAGGGCTGCACCTTGGCCTTCACCTCCTCCAG[A>C]TCCTTGCTCATCTCCTGCCTCAGGCCCTCTGTCTCCTTTTCCAGGTTATCCCAGAACTCC-3'
Protein context (NP_000030.1, residues 103-123): TEGLRQEMSK[Asp113Glu]LEEVKAKVQP